The following is an entry in ClinVar:

NM_000786.4(CYP51A1):c.1359T>C (p.His453=)

Gene: CYP51A1 (cytochrome P450 family 51 subfamily A member 1; minus strand). Cytogenetic location: 7q21.2.
Variant type: single nucleotide variant.
Coding change: c.1359T>C on transcript NM_000786.4 (MANE Select); coding-DNA position 1359, T replaced by C.
Protein change: p.His453=; no amino-acid change (histidine 453 retained).
Molecular consequence: synonymous variant.
Genome position (GRCh38, 1-based): chr7:92,113,836, A>G on the plus strand (T>C on the coding strand, the complement: CYP51A1 is on the minus strand). VCF-style: chr7-92113836-A-G. GRCh37 (hg19) VCF-style: chr7-91743150-A-G.
Other names: c.1044T>C, p.His348= (NM_001146152.2).
Identifiers: ClinVar variation 677167 (VCV000677167.12), dbSNP rs7797834, ClinGen allele CA4338342.
Genomic context (GRCh38, chr7:92,113,836, plus strand): 5'-AAGCATAGTGGACCAAATTGTCTTAATTTGAACATAGGCAAAATTTTCCCCAATACAACG[A>G]TGACGCCCTAAAAAAAAGAAAAAGTTATAAGAATCAGTTTAAATTCTTTCTCATCCTTTT-3'
Protein context (NP_000777.1, residues 443-463): FAYVPFGAGR[His453=]RCIGENFAYV

ClinVar aggregate classification (germline): Benign. Review status: criteria provided, multiple submitters, no conflicts (2 of 4 stars). 4 submissions from 4 submitters: Benign (3). 1 of the submissions does not count toward it. Last evaluated 2026-01-27.

Conditions:
CYP51A1-related disorder. Also called: CYP51A1-related condition.

Allele frequency attached by ClinVar (database versions not stated): 1000 Genomes Project 30x 0.36305; 1000 Genomes Project 0.35962; ExAC 0.37710; gnomAD exomes 0.38418 and 0.38174; TOPMed 0.39957; ESP Exome Variant Server 0.42519; gnomAD 0.39835 and 0.40140.
gnomAD v4.1: 612,207 of 1,587,598 alleles (39%); highest among the groups gnomAD compares: African/African-American, 46%; 120,197 homozygotes.

Submissions (4):

Labcorp Genetics (formerly Invitae), Labcorp
Classification: Benign. Last evaluated: 2026-01-27. Review status: criteria provided, single submitter. Criteria: Invitae Variant Classification Sherloc (09022015). Collection method: clinical testing. Allele origin: germline.

GeneDx
Classification: Benign. Last evaluated: 2018-05-01. Review status: criteria provided, single submitter. Criteria: GeneDx Variant Classification (06012015). Collection method: clinical testing. Allele origin: germline. Affected: yes.
Comment: This variant is considered likely benign or benign based on one or more of the following criteria: it is a conservative change, it occurs at a poorly conserved position in the protein, it is predicted to be benign by multiple in silico algorithms, and/or has population frequency not consistent with disease.

Breakthrough Genomics
Classification: Benign. Review status: criteria provided, single submitter. Criteria: ACMG Guidelines, 2015. Collection method: not provided. Allele origin: germline. Inheritance: Unknown mechanism. Affected: yes.

PreventionGenetics, part of Exact Sciences
Classification: Benign for CYP51A1-related condition. Last evaluated: 2019-10-22. Review status: no assertion criteria provided. Collection method: clinical testing. Allele origin: germline. Not counted in ClinVar's aggregate classification.
Comment: This variant is classified as benign based on ACMG/AMP sequence variant interpretation guidelines (Richards et al. 2015 PMID: 25741868, with internal and published modifications).